The following is an entry in ClinVar:

ClinVar aggregate classification (germline): Pathogenic/Likely pathogenic. Review status: criteria provided, multiple submitters, no conflicts (2 of 4 stars). 2 submissions from 2 submitters: Pathogenic (1); Likely pathogenic (1). Last evaluated 2025-11-05.

Conditions:
Hereditary cancer-predisposing syndrome. Also called: Hereditary neoplastic syndrome; Neoplastic Syndromes, Hereditary; Tumor predisposition; Hereditary Cancer Syndrome. Identifiers: Orphanet 140162, MedGen C0027672, MeSH D009386, MONDO:0015356.

Submissions (2):

Labcorp Genetics (formerly Invitae), Labcorp
Classification: Pathogenic. Last evaluated: 2025-11-05. Review status: criteria provided, single submitter. Criteria: Invitae Variant Classification Sherloc (09022015). Collection method: clinical testing. Allele origin: germline.
Comment: This sequence change replaces threonine, which is neutral and polar, with alanine, which is neutral and non-polar, at codon 147 of the FH protein (p.Thr147Ala). This variant is not present in population databases (gnomAD no frequency). This missense change has been observed in individuals with clinical features of hereditary leiomyomatosis and renal cell cancer (external communication, internal data). It has also been observed to segregate with disease in related individuals. ClinVar contains an entry for this variant (Variation ID: 214395). Invitae Evidence Modeling of protein sequence and biophysical properties (such as structural, functional, and spatial information, amino acid conservation, physicochemical variation, residue mobility, and thermodynamic stability) indicates that this missense variant is expected to disrupt FH protein function with a positive predictive value of 95%. For these reasons, this variant has been classified as Pathogenic.

Ambry Genetics
Classification: Likely pathogenic for Hereditary cancer-predisposing syndrome. Last evaluated: 2019-02-22. Review status: criteria provided, single submitter. Criteria: Ambry Variant Classification Scheme 2023. Collection method: clinical testing. Allele origin: germline.
Comment: The p.T147A variant (also known as c.439A>G), located in coding exon 4 of the FH gene, results from an A to G substitution at nucleotide position 439. The threonine at codon 147 is replaced by alanine, an amino acid with similar properties. This alteration has been observed in multiple individuals who have a personal or family history that is consistent with Hereditary Leiomyomatosis and Renal Cell Cancer (HLRCC) syndrome (Ambry internal data). This amino acid position is highly conserved in available vertebrate species. In addition, this alteration is predicted to be deleterious by in silico analysis. Based on the majority of available evidence to date, this variant is likely to be pathogenic.

NM_000143.4(FH):c.439A>G (p.Thr147Ala)

Gene: FH (fumarate hydratase; minus strand). Cytogenetic location: 1q43.
Variant type: single nucleotide variant.
Coding change: c.439A>G on transcript NM_000143.4 (MANE Select); coding-DNA position 439, A replaced by G.
Protein change: p.Thr147Ala; replaces threonine 147 with alanine.
Molecular consequence: missense variant.
Genome position (GRCh38, 1-based): chr1:241,512,083, T>C on the plus strand (A>G on the coding strand, the complement: FH is on the minus strand). VCF-style: chr1-241512083-T-C. GRCh37 (hg19) VCF-style: chr1-241675383-T-C.
Other names: short protein forms T147A.
Identifiers: ClinVar variation 214395 (VCV000214395.13), dbSNP rs863223983, ClinGen allele CA322337.